The following is an entry in ClinVar:

NM_032188.3(KAT8):c.979G>A (p.Gly327Ser)

Gene: KAT8 (lysine acetyltransferase 8; plus strand). Cytogenetic location: 16p11.2.
Variant type: single nucleotide variant.
Coding change: c.979G>A on transcript NM_032188.3 (MANE Select); coding-DNA position 979, G replaced by A.
Protein change: p.Gly327Ser; replaces glycine 327 with serine.
Molecular consequence: missense variant.
Genome position (GRCh38, 1-based): chr16:31,130,333, G>A. VCF-style: chr16-31130333-G-A. GRCh37 (hg19) VCF-style: chr16-31141654-G-A.
Other names: c.979G>A, p.Gly327Ser (NM_182958.4); short protein forms G327S.
Identifiers: ClinVar variation 5021062 (VCV005021062.1).
Genomic context (GRCh38, chr16:31,130,333, plus strand): 5'-GAGTCCCCGGATGGAAACAATGTGGCCTGCATCCTGACCTTGCCCCCCTACCAACGCCGC[G>A]GCTACGGGAAGTTCCTCATCGCTTTCAGTGAGTGGTTCCTGGCCTGTCTGGGAGGGGGAG-3'
Protein context (NP_115564.2, residues 317-337): ILTLPPYQRR[Gly327Ser]YGKFLIAFSY

ClinVar aggregate classification (germline): Uncertain significance (1 of 4 stars; one submission).

Submission:

Dasa
Classification: Uncertain significance. Last evaluated: 2024-10-22. Review status: criteria provided, single submitter. Criteria: DASA Assertion Criteria. Collection method: clinical testing. Allele origin: germline.
Comment: NM_032188.3(KAT8):c.979G>A (p.Gly327Ser) is a missense variant that results in the substitution of glycine with serine. This variant is rare in population databases. Computational prediction algorithms are consistent with a deleterious effect. The currently available literature and clinical evidence are not sufficient to establish a definitive association between this variant and the reported condition. Therefore, this variant is classified as a variant of uncertain significance.